The following is an entry in ClinVar:

NM_001110556.2(FLNA):c.4909G>A (p.Val1637Met)

Gene: FLNA (filamin A; minus strand). Cytogenetic location: Xq28.
Variant type: single nucleotide variant.
Coding change: c.4909G>A on transcript NM_001110556.2 (MANE Select); coding-DNA position 4909, G replaced by A.
Protein change: p.Val1637Met; replaces valine 1637 with methionine.
Molecular consequence: missense variant.
Genome position (GRCh38, 1-based): chrX:154,357,470, C>T on the plus strand (G>A on the coding strand, the complement: FLNA is on the minus strand). VCF-style: chrX-154357470-C-T. GRCh37 (hg19) VCF-style: chrX-153585838-C-T.
Other names: c.4909G>A, p.Val1637Met (NM_001456.4); short protein forms V1637M.
Identifiers: ClinVar variation 1325990 (VCV001325990.2), dbSNP rs1333867692, ClinGen allele CA415213428.

ClinVar aggregate classification (germline): Uncertain significance (1 of 4 stars; one submission).

Allele frequency attached by ClinVar (database versions not stated): gnomAD exomes below 0.00001 and 0.00001; TOPMed below 0.00001; gnomAD 0.00001.
gnomAD v4.1: 6 of 1,209,323 alleles (0.0005%); highest among the groups gnomAD compares: Admixed American, 0.0043%; no homozygotes.

Submission:

GeneDx
Classification: Uncertain significance. Last evaluated: 2021-05-19. Review status: criteria provided, single submitter. Criteria: GeneDx Variant Classification Process June 2021. Collection method: clinical testing. Allele origin: germline. Affected: yes.
Comment: Has not been previously published as pathogenic or benign to our knowledge; Not observed in large population cohorts (Lek et al., 2016); In silico analysis supports that this missense variant does not alter protein structure/function